The following is an entry in ClinVar:

ClinVar aggregate classification (germline): Likely benign. Review status: criteria provided, multiple submitters, no conflicts (2 of 4 stars). 7 submissions from 7 submitters: Likely benign (7). Last evaluated 2026-09-03.

Conditions:
Cardiovascular phenotype. Identifiers: MedGen CN230736.
TRDN-related disorder. Also called: TRDN-related condition.
Catecholaminergic polymorphic ventricular tachycardia 1. Also called: VENTRICULAR TACHYCARDIA, STRESS-INDUCED POLYMORPHIC 1; VENTRICULAR TACHYCARDIA, CATECHOLAMINERGIC POLYMORPHIC, 1, WITH OR WITHOUT ATRIAL DYSFUNCTION AND/OR DILATED CARDIOMYOPATHY; RYR2-Related Catecholaminergic Polymorphic Ventricular Tachycardia. Identifiers: Orphanet 3286, MedGen C1631597, MONDO:0011484, OMIM 604772.
Catecholaminergic polymorphic ventricular tachycardia 5 (CARDAR). Also called: Ventricular tachycardia, catecholaminergic polymorphic, 5, with or without muscle weakness; CARDIAC ARRHYTHMIA SYNDROME, WITH OR WITHOUT SKELETAL MUSCLE WEAKNESS. Identifiers: Orphanet 3286, MedGen C3809536, MONDO:0014191, OMIM 615441.

Allele frequency attached by ClinVar (database versions not stated): gnomAD 0.00007; gnomAD exomes 0.00011 and 0.00057; TOPMed 0.00017; ExAC 0.00053.
gnomAD v4.1: 170 of 1,613,108 alleles (0.011%); highest among the groups gnomAD compares: Admixed American, 0.28%; 1 homozygote.

Submissions (7):

PreventionGenetics, part of Exact Sciences
Classification: Likely benign for TRDN-related condition. Last evaluated: 2026-09-03. Review status: criteria provided, single submitter. Criteria: ACMG Guidelines, 2015. Collection method: clinical testing. Allele origin: germline.
Comment: This variant is classified as likely benign based on ACMG/AMP sequence variant interpretation guidelines (Richards et al. 2015 PMID: 25741868, with internal and published modifications).

Women's Health and Genetics/Laboratory Corporation of America, LabCorp
Classification: Likely benign. Last evaluated: 2026-05-06. Review status: criteria provided, single submitter. Criteria: LabCorp Variant Classification Summary - May 2015. Collection method: clinical testing. Allele origin: germline.
Comment: Variant summary: TRDN c.728C>T (p.Thr243Ile) results in a non-conservative amino acid change in the encoded protein sequence. Algorithms developed to predict the effect of missense changes on protein structure and function are either unavailable or do not agree on the potential impact of this missense change. The variant allele was found at a frequency of 0.00057 in 248158 control chromosomes, predominantly at a frequency of 0.0041 within the Latino subpopulation in the gnomAD database, including 1 homozygotes. The observed variant frequency within Latino control individuals in the gnomAD database exceeds the estimated maximal expected allele frequency for disease-causing variants in TRDN. To our knowledge, no occurrence of c.728C>T in individuals affected with TRDN-related conditions and no experimental evidence demonstrating its impact on protein function have been reported. ClinVar contains an entry for this variant (Variation ID: 681511). Based on the evidence outlined above, the variant was classified as likely benign.

Labcorp Genetics (formerly Invitae), Labcorp
Classification: Likely benign for Catecholaminergic polymorphic ventricular tachycardia 1. Last evaluated: 2026-01-31. Review status: criteria provided, single submitter. Criteria: Invitae Variant Classification Sherloc (09022015). Collection method: clinical testing. Allele origin: germline.

ARUP Laboratories, Molecular Genetics and Genomics, ARUP Laboratories
Classification: Likely benign for Catecholaminergic polymorphic ventricular tachycardia 5. Last evaluated: 2024-12-24. Review status: criteria provided, single submitter. Criteria: ARUP Molecular Germline Variant Investigation Process 2024. Collection method: clinical testing. Allele origin: germline.

Ambry Genetics
Classification: Likely benign for Cardiovascular phenotype. Last evaluated: 2023-03-03. Review status: criteria provided, single submitter. Criteria: Ambry Variant Classification Scheme 2023. Collection method: clinical testing. Allele origin: germline.

GeneDx
Classification: Likely benign. Last evaluated: 2018-04-10. Review status: criteria provided, single submitter. Criteria: GeneDx Variant Classification (06012015). Collection method: clinical testing. Allele origin: germline. Affected: yes.
Comment: This variant is considered likely benign or benign based on one or more of the following criteria: it is a conservative change, it occurs at a poorly conserved position in the protein, it is predicted to be benign by multiple in silico algorithms, and/or has population frequency not consistent with disease.

Breakthrough Genomics
Classification: Likely benign. Review status: criteria provided, single submitter. Criteria: ACMG Guidelines, 2015. Collection method: not provided. Allele origin: germline. Inheritance: Autosomal recessive inheritance. Affected: yes.

NM_006073.4(TRDN):c.728C>T (p.Thr243Ile)

Gene: TRDN (triadin; minus strand). Cytogenetic location: 6q22.31.
Variant type: single nucleotide variant.
Coding change: c.728C>T on transcript NM_006073.4 (MANE Select); coding-DNA position 728, C replaced by T.
Protein change: p.Thr243Ile; replaces threonine 243 with isoleucine.
Molecular consequence: missense variant.
Genome position (GRCh38, 1-based): chr6:123,503,784, G>A on the plus strand (C>T on the coding strand, the complement: TRDN is on the minus strand). VCF-style: chr6-123503784-G-A. GRCh37 (hg19) VCF-style: chr6-123824929-G-A.
Other names: c.728C>T, p.Thr243Ile (NM_001251987.2, NM_001256020.2, NM_001256021.2); short protein forms T243I.
Identifiers: ClinVar variation 681511 (VCV000681511.21), dbSNP rs769684583, ClinGen allele CA3984302.
Genomic context (GRCh38, chr6:123,503,784, plus strand): 5'-TGTTCATGCTTTGACACAGCTGCTTTCTCTTTGTCCTCCTTTTCTTTGGGTTTTGATGGT[G>A]TTTTCTGTACTTCTTTTACTTTTGCAGCTGTTTGCTTCACTTTCTCCTGTTTTCCACCTT-3'
Protein context (NP_006064.2, residues 233-253): TAAKVKEVQK[Thr243Ile]PSKPKEKEDK